The following is an entry in ClinVar:

NM_016239.4(MYO15A):c.3556C>G (p.Leu1186Val)

Gene: MYO15A (myosin XVA; plus strand). Cytogenetic location: 17p11.2.
Variant type: single nucleotide variant.
Coding change: c.3556C>G on transcript NM_016239.4 (MANE Select); coding-DNA position 3556, C replaced by G.
Protein change: p.Leu1186Val; replaces leucine 1186 with valine.
Molecular consequence: missense variant.
Genome position (GRCh38, 1-based): chr17:18,122,356, C>G. VCF-style: chr17-18122356-C-G. GRCh37 (hg19) VCF-style: chr17-18025670-C-G.
Other names: short protein forms L1186V.
Identifiers: ClinVar variation 4527254 (VCV004527254.1).
Genomic context (GRCh38, chr17:18,122,356, plus strand): 5'-CCCTGGCCACGAGTACACACCCATCCCCAGTCCTGCCACCTGGGCCCTGGAGCTGCCTGC[C>G]TGTCCCTTAGGGGCTCCTGGGAGGAGGTCGGCCCGCCAAGCTGGCGGAACAAGGTATGGA-3'
Protein context (NP_057323.3, residues 1176-1196): SCHLGPGAAC[Leu1186Val]SLRGSWEEVG

ClinVar aggregate classification (germline): Uncertain significance (1 of 4 stars; one submission).

Submission:

GeneDx
Classification: Uncertain significance. Last evaluated: 2025-04-20. Review status: criteria provided, single submitter. Criteria: GeneDx Variant Classification Process June 2021. Collection method: clinical testing. Allele origin: germline. Affected: yes.
Comment: Not observed at significant frequency in large population cohorts (gnomAD); In silico analysis indicates that this missense variant does not alter protein structure/function; Has not been previously published as pathogenic or benign to our knowledge